The following is an entry in ClinVar:

NM_017534.6(MYH2):c.2303A>C (p.Lys768Thr)

Genes: MYH2 (myosin heavy chain 2; minus strand), MYHAS (myosin heavy chain gene cluster antisense RNA; plus strand). Cytogenetic location: 17p13.1.
Variant type: single nucleotide variant.
Coding change: c.2303A>C on transcript NM_017534.6 (MANE Select); coding-DNA position 2303, A replaced by C.
Protein change: p.Lys768Thr; replaces lysine 768 with threonine.
Molecular consequence: missense variant.
Genome position (GRCh38, 1-based): chr17:10,533,510, T>G on the plus strand (A>C on the coding strand, the complement: MYH2 is on the minus strand). VCF-style: chr17-10533510-T-G. GRCh37 (hg19) VCF-style: chr17-10436827-T-G.
Other names: c.2303A>C, p.Lys768Thr (NM_001100112.2); c.2303A>C (NM_017534.5); short protein forms K768T.
Identifiers: ClinVar variation 1365193 (VCV001365193.8), dbSNP rs1358118988, ClinGen allele CA398148743.
Genomic context (GRCh38, chr17:10,533,510, plus strand): 5'-AGCTTTAATAAAGTTCAAAGGGACAGGAATAGCATCAGGTAGGATTTACAGAAAATTACC[T>G]TGGTGTGCCCAAATTTATACTGGGTGTGGTCAATGTCGATGGATGCAAGGAGCTTCTCAG-3'
Protein context (NP_060004.3, residues 758-778): DHTQYKFGHT[Lys768Thr]VFFKAGLLGL

ClinVar aggregate classification (germline): Uncertain significance. Review status: criteria provided, multiple submitters, no conflicts (2 of 4 stars). 3 submissions from 3 submitters: Uncertain significance (3). Last evaluated 2026-04-08.

Conditions:
Inborn genetic diseases. Identifiers: MedGen C0950123, MeSH D030342.
Myopathy, proximal, and ophthalmoplegia (CMYO6). Also called: INCLUSION BODY MYOPATHY 3, AUTOSOMAL DOMINANT; CONGENITAL MYOPATHY 6 WITH OPHTHALMOPLEGIA; MYOPATHY WITH CONGENITAL JOINT CONTRACTURES, OPHTHALMOPLEGIA, AND RIMMED VACUOLES. Identifiers: Orphanet 363677, Orphanet 79091, MedGen C1854106, MONDO:0011577, OMIM 605637.

Allele frequency attached by ClinVar (database versions not stated): gnomAD 0.00003; TOPMed 0.00005; gnomAD exomes 0.00001.
gnomAD v4.1: 12 of 1,614,076 alleles (0.00074%); highest among the groups gnomAD compares: Admixed American, 0.01%; no homozygotes.

Submissions (3):

GeneDx
Classification: Uncertain significance. Last evaluated: 2026-04-08. Review status: criteria provided, single submitter. Criteria: GeneDx Variant Classification Process June 2021. Collection method: clinical testing. Allele origin: germline.
Comment: Not observed at significant frequency in large population cohorts (gnomAD); In silico analysis supports that this missense variant has a deleterious effect on protein structure/function; Has not been previously published as pathogenic or benign to our knowledge

Labcorp Genetics (formerly Invitae), Labcorp
Classification: Uncertain significance for Myopathy, proximal, and ophthalmoplegia. Last evaluated: 2025-12-10. Review status: criteria provided, single submitter. Criteria: Invitae Variant Classification Sherloc (09022015). Collection method: clinical testing. Allele origin: germline.
Comment: This sequence change replaces lysine, which is basic and polar, with threonine, which is neutral and polar, at codon 768 of the MYH2 protein (p.Lys768Thr). This variant is present in population databases (no rsID available, gnomAD 0.003%). This variant has not been reported in the literature in individuals affected with MYH2-related conditions. ClinVar contains an entry for this variant (Variation ID: 1365193). An algorithm developed to predict the effect of missense changes on protein structure and function (PolyPhen-2) suggests that this variant is likely to be disruptive. Algorithms developed to predict the effect of sequence changes on RNA splicing suggest that this variant may disrupt the consensus splice site. In summary, the available evidence is currently insufficient to determine the role of this variant in disease. Therefore, it has been classified as a Variant of Uncertain Significance.

Ambry Genetics
Classification: Uncertain significance for Inborn genetic diseases. Last evaluated: 2023-11-29. Review status: criteria provided, single submitter. Criteria: Ambry Variant Classification Scheme 2023. Collection method: clinical testing. Allele origin: germline.